The following is an entry in ClinVar:

NM_004281.4(BAG3):c.1382A>T (p.Glu461Val)

Gene: BAG3 (BAG cochaperone 3; plus strand). Cytogenetic location: 10q26.11.
Variant type: single nucleotide variant.
Coding change: c.1382A>T on transcript NM_004281.4 (MANE Select); coding-DNA position 1382, A replaced by T.
Protein change: p.Glu461Val; replaces glutamic acid 461 with valine.
Molecular consequence: missense variant.
Genome position (GRCh38, 1-based): chr10:119,676,936, A>T. VCF-style: chr10-119676936-A-T. GRCh37 (hg19) VCF-style: chr10-121436448-A-T.
Other names: short protein forms E461V.
Identifiers: ClinVar variation 3817126 (VCV003817126.1).

ClinVar aggregate classification (germline): Uncertain significance (1 of 4 stars; one submission).

Conditions:
Cardiovascular phenotype. Identifiers: MedGen CN230736.

Submission:

Ambry Genetics
Classification: Uncertain significance for Cardiovascular phenotype. Last evaluated: 2025-01-21. Review status: criteria provided, single submitter. Criteria: Ambry Variant Classification Scheme 2023. Collection method: clinical testing. Allele origin: germline.
Comment: The p.E461V variant (also known as c.1382A>T), located in coding exon 4 of the BAG3 gene, results from an A to T substitution at nucleotide position 1382. The glutamic acid at codon 461 is replaced by valine, an amino acid with dissimilar properties. This amino acid position is conserved. In addition, the in silico prediction for this alteration is inconclusive. Based on the available evidence, the clinical significance of this variant remains unclear.